The following is an entry in ClinVar:

NM_173601.2(GXYLT1):c.66T>C (p.Ala22=)

Genes: GXYLT1 (glucoside xylosyltransferase 1; minus strand), LOC130007693 (ATAC-STARR-seq lymphoblastoid silent region 4358; plus strand). Cytogenetic location: 12q12.
Variant type: single nucleotide variant.
Coding change: c.66T>C on transcript NM_173601.2 (MANE Select); coding-DNA position 66, T replaced by C.
Protein change: p.Ala22=; no amino-acid change (alanine 22 retained).
Molecular consequence: synonymous variant.
Genome position (GRCh38, 1-based): chr12:42,144,581, A>G on the plus strand (T>C on the coding strand, the complement: GXYLT1 is on the minus strand). VCF-style: chr12-42144581-A-G. GRCh37 (hg19) VCF-style: chr12-42538383-A-G.
Other names: c.66T>C, p.Ala22= (NM_001099650.2).
Identifiers: ClinVar variation 2642897 (VCV002642897.24), dbSNP rs1432486794, ClinGen allele CA479282578.
Genomic context (GRCh38, chr12:42,144,581, plus strand): 5'-CTGCGGCTTCCCGCCACCGCCGCCCGTTCCTTCTTCCAGGGACACGGCGAGCTGGCTGAA[A>G]GCGTAAAGGAGCGAGCAGAAGCCGCAGGCCACACACAGCACCACGACGCGCAGGTAGCGC-3'
Protein context (NP_775872.1, residues 12-32): VACGFCSLLY[Ala22=]FSQLAVSLEE

ClinVar aggregate classification (germline): Likely benign (1 of 4 stars; one submission).

Submission:

CeGaT Center for Human Genetics Tuebingen
Classification: Likely benign. Last evaluated: 2023-08-01. Review status: criteria provided, single submitter. Criteria: CeGaT Center For Human Genetics Tuebingen Variant Classification Criteria Version 2. Collection method: clinical testing. Allele origin: germline. Affected: yes. Observed: 1 variant allele.
Comment: GXYLT1: BP4, BP7